The following is an entry in ClinVar:

NM_153603.4(COG7):c.1803C>T (p.Asp601=)

Gene: COG7 (component of oligomeric golgi complex 7; minus strand). Cytogenetic location: 16p12.2.
Variant type: single nucleotide variant.
Coding change: c.1803C>T on transcript NM_153603.4 (MANE Select); coding-DNA position 1803, C replaced by T.
Protein change: p.Asp601=; no amino-acid change (aspartic acid 601 retained).
Molecular consequence: synonymous variant.
Genome position (GRCh38, 1-based): chr16:23,403,694, G>A on the plus strand (C>T on the coding strand, the complement: COG7 is on the minus strand). VCF-style: chr16-23403694-G-A. GRCh37 (hg19) VCF-style: chr16-23415015-G-A.
Other names: c.1803C>T (NM_153603.3).
Identifiers: ClinVar variation 1500088 (VCV001500088.4), dbSNP rs1039295104, ClinGen allele CA279511030.

ClinVar aggregate classification (germline): Conflicting classifications of pathogenicity. Review status: criteria provided, conflicting classifications (1 of 4 stars). 2 submissions from 2 submitters: Uncertain significance (1); Likely benign (1). Last evaluated 2026-02-05.

Conditions:
COG7-related disorder. Also called: COG7-related condition.
COG7 congenital disorder of glycosylation (CDG2E). Also called: CONGENITAL DISORDER OF GLYCOSYLATION, TYPE IIe; CDG IIe. Identifiers: Orphanet 79333, MedGen C2931010, MONDO:0012118, OMIM 608779.

Allele frequency attached by ClinVar (database versions not stated): gnomAD exomes 0.00001; gnomAD 0.00003; TOPMed 0.00004.
gnomAD v4.1: 14 of 1,613,858 alleles (0.00087%); highest among the groups gnomAD compares: African/African-American, 0.008%; no homozygotes.

Submissions (2):

PreventionGenetics, part of Exact Sciences
Classification: Likely benign for COG7-related condition. Last evaluated: 2026-02-05. Review status: criteria provided, single submitter. Criteria: ACMG Guidelines, 2015. Collection method: clinical testing. Allele origin: germline.
Comment: This variant is classified as likely benign based on ACMG/AMP sequence variant interpretation guidelines (Richards et al. 2015 PMID: 25741868, with internal and published modifications).

Labcorp Genetics (formerly Invitae), Labcorp
Classification: Uncertain significance for COG7 congenital disorder of glycosylation. Last evaluated: 2022-10-12. Review status: criteria provided, single submitter. Criteria: Invitae Variant Classification Sherloc (09022015). Collection method: clinical testing. Allele origin: germline.
Comment: This sequence change affects codon 601 of the COG7 mRNA. It is a 'silent' change, meaning that it does not change the encoded amino acid sequence of the COG7 protein. It affects a nucleotide within the consensus splice site. This variant is present in population databases (no rsID available, gnomAD 0.008%). This variant has not been reported in the literature in individuals affected with COG7-related conditions. ClinVar contains an entry for this variant (Variation ID: 1500088). Algorithms developed to predict the effect of sequence changes on RNA splicing suggest that this variant is not likely to affect RNA splicing. In summary, the available evidence is currently insufficient to determine the role of this variant in disease. Therefore, it has been classified as a Variant of Uncertain Significance.